The following is an entry in ClinVar:

NM_000052.7(ATP7A):c.610+108G>A

Gene: ATP7A (ATPase copper transporting alpha; plus strand). Cytogenetic location: Xq21.1.
Variant type: single nucleotide variant.
Coding change: c.610+108G>A on transcript NM_000052.7 (MANE Select); 108 bases into the intron after coding-DNA position 610, G replaced by A.
Molecular consequence: intron variant.
Genome position (GRCh38, 1-based): chrX:77,988,839, G>A. VCF-style: chrX-77988839-G-A. GRCh37 (hg19) VCF-style: chrX-77244335-G-A.
Other names: c.610+108G>A (NM_001282224.2).
Identifiers: ClinVar variation 677087 (VCV000677087.2), dbSNP rs148390231, ClinGen allele CA331103092.

ClinVar aggregate classification (germline): Likely benign. Review status: criteria provided, multiple submitters, no conflicts (2 of 4 stars). 2 submissions from 2 submitters: Likely benign (2). Last evaluated 2018-06-16.

Allele frequency attached by ClinVar (database versions not stated): 1000 Genomes Project 30x 0.00125; 1000 Genomes Project 0.00159; TOPMed 0.00204.
gnomAD v4.1: 3,504 of 978,840 alleles (0.36%); highest among the groups gnomAD compares: Middle Eastern, 0.43%; 10 homozygotes.

Submissions (2):

GeneDx
Classification: Likely benign. Last evaluated: 2018-06-16. Review status: criteria provided, single submitter. Criteria: GeneDx Variant Classification (06012015). Collection method: clinical testing. Allele origin: germline. Affected: yes.
Comment: This variant is considered likely benign or benign based on one or more of the following criteria: it is a conservative change, it occurs at a poorly conserved position in the protein, it is predicted to be benign by multiple in silico algorithms, and/or has population frequency not consistent with disease.

Breakthrough Genomics
Classification: Likely benign. Review status: criteria provided, single submitter. Criteria: ACMG Guidelines, 2015. Collection method: not provided. Allele origin: germline. Inheritance: X-linked inheritance. Affected: yes.